The following is an entry in ClinVar:

ClinVar aggregate classification (germline): Likely benign (1 of 4 stars; one submission).

Submission:

CeGaT Center for Human Genetics Tuebingen
Classification: Likely benign. Last evaluated: 2025-03-01. Review status: criteria provided, single submitter. Criteria: CeGaT Center For Human Genetics Tuebingen Variant Classification Criteria Version 2. Collection method: clinical testing. Allele origin: germline. Affected: yes. Observed: 1 variant allele.
Comment: EXOC7: BP4, BP7

NM_001013839.4(EXOC7):c.417+60A>C

Gene: EXOC7 (exocyst complex component 7; minus strand). Cytogenetic location: 17q25.1.
Variant type: single nucleotide variant.
Coding change: c.417+60A>C on transcript NM_001013839.4 (MANE Select); 60 bases into the intron after coding-DNA position 417, A replaced by C.
Molecular consequence: intron variant. On other transcripts: synonymous variant (1).
Genome position (GRCh38, 1-based): chr17:76,101,211, T>G on the plus strand (A>C on the coding strand, the complement: EXOC7 is on the minus strand). VCF-style: chr17-76101211-T-G. GRCh37 (hg19) VCF-style: chr17-74097292-T-G.
Other names: c.477A>C, p.Ser159= (NM_001282314.2); c.417+60A>C (NM_015219.5, NM_001375975.1, NM_001145298.4 and 4 more transcripts); c.294+60A>C (NM_001282313.2).
Identifiers: ClinVar variation 3778224 (VCV003778224.7).